The following is an entry in ClinVar:

NM_001384140.1(PCDH15):c.595-1G>A

Gene: PCDH15 (protocadherin related 15; minus strand). Cytogenetic location: 10q21.1.
Variant type: single nucleotide variant.
Coding change: c.595-1G>A on transcript NM_001384140.1 (MANE Select); the canonical splice acceptor site of the intron before coding-DNA position 595, G replaced by A.
Molecular consequence: splice acceptor variant. On other transcripts: intron variant (1).
Genome position (GRCh38, 1-based): chr10:54,329,707, C>T on the plus strand (G>A on the coding strand, the complement: PCDH15 is on the minus strand). VCF-style: chr10-54329707-C-T. GRCh37 (hg19) VCF-style: chr10-56089467-C-T.
Other names: c.595-1G>A (NM_001354420.2, NM_001354429.2, NM_001142772.2 and 7 more transcripts); c.610-1G>A (NM_001142771.2, NM_001142769.3, NM_001142763.2); c.529-1G>A (NM_001354404.2, NM_001142773.2, NM_001142768.2); c.595-12266G>A (NM_001142767.2).
Identifiers: ClinVar variation 3601630 (VCV003601630.1).

ClinVar aggregate classification (germline): Pathogenic (1 of 4 stars; one submission).

Conditions:
Autosomal recessive nonsyndromic hearing loss 23. Identifiers: Orphanet 90636, MedGen C1836027, MONDO:0012293, OMIM 609533.

Submission:

Institute of Rare Diseases, West China Hospital, Sichuan University
Classification: Pathogenic for Autosomal recessive nonsyndromic hearing loss 23. Last evaluated: 2025-01-09. Review status: criteria provided, single submitter. Criteria: ClinGen HL ACMG Specifications v1. Collection method: research. Allele origin: germline. Affected: yes.
Comment: PVS1;PM3;PM2_Supporting